The following is an entry in ClinVar:

NM_000089.4(COL1A2):c.4052G>T (p.Gly1351Val)

Gene: COL1A2 (collagen type I alpha 2 chain; plus strand). Cytogenetic location: 7q21.3.
Variant type: single nucleotide variant.
Coding change: c.4052G>T on transcript NM_000089.4 (MANE Select); coding-DNA position 4052, G replaced by T.
Protein change: p.Gly1351Val; replaces glycine 1351 with valine.
Molecular consequence: missense variant.
Genome position (GRCh38, 1-based): chr7:94,430,344, G>T. VCF-style: chr7-94430344-G-T. GRCh37 (hg19) VCF-style: chr7-94059656-G-T.
Other names: short protein forms G1351V.
Identifiers: ClinVar variation 4783369 (VCV004783369.1).

ClinVar aggregate classification (germline): Uncertain significance (1 of 4 stars; one submission).

Conditions:
Ehlers-Danlos syndrome, classic type, 1 (EDSCL1). Also called: EHLERS-DANLOS SYNDROME, GRAVIS TYPE; EHLERS-DANLOS SYNDROME, SEVERE CLASSIC TYPE; Ehlers-Danlos syndrome, type 1; Ehlers-Danlos Syndrome, Classic Type, COL5A1-Related; EDS I. Identifiers: MedGen C0268335, MONDO:0019567, OMIM 130000.
Osteogenesis imperfecta type I (OI1). Also called: OI, TYPE I; OSTEOGENESIS IMPERFECTA TARDA; OSTEOGENESIS IMPERFECTA WITH BLUE SCLERAE; Osteogenesis imperfecta type 1; Lobstein's Disease; Lobstein disease. Identifiers: Orphanet 216796, Orphanet 666, MedGen C0023931, MONDO:0008146, OMIM 166200. Disease mechanism: loss of function.

Submission:

Labcorp Genetics (formerly Invitae), Labcorp
Classification: Uncertain significance for Osteogenesis imperfecta type I; Ehlers-Danlos syndrome, classic type, 1. Last evaluated: 2025-08-11. Review status: criteria provided, single submitter. Criteria: Invitae Variant Classification Sherloc (09022015). Collection method: clinical testing. Allele origin: germline.
Comment: This sequence change replaces glycine, which is neutral and non-polar, with valine, which is neutral and non-polar, at codon 1351 of the COL1A2 protein (p.Gly1351Val). This variant is not present in population databases (gnomAD no frequency). This variant has not been reported in the literature in individuals affected with COL1A2-related conditions. Invitae Evidence Modeling of protein sequence and biophysical properties (such as structural, functional, and spatial information, amino acid conservation, physicochemical variation, residue mobility, and thermodynamic stability) has been performed for this missense variant. However, the output from this modeling did not meet the statistical confidence thresholds required to predict the impact of this variant on COL1A2 protein function. In summary, the available evidence is currently insufficient to determine the role of this variant in disease. Therefore, it has been classified as a Variant of Uncertain Significance.